The following is an entry in ClinVar:

NM_000455.5(STK11):c.718T>C (p.Ser240Pro)

Gene: STK11 (serine/threonine kinase 11; plus strand). Cytogenetic location: 19p13.3.
Variant type: single nucleotide variant.
Coding change: c.718T>C on transcript NM_000455.5 (MANE Select); coding-DNA position 718, T replaced by C.
Protein change: p.Ser240Pro; replaces serine 240 with proline.
Molecular consequence: missense variant. On other transcripts: non-coding transcript variant (1).
Genome position (GRCh38, 1-based): chr19:1,220,701, T>C. VCF-style: chr19-1220701-T-C. GRCh37 (hg19) VCF-style: chr19-1220700-T-C.
Other names: c.718T>C, p.Ser240Pro (NM_001407255.1); short protein forms S240P.
Identifiers: ClinVar variation 4747133 (VCV004747133.1).

ClinVar aggregate classification (germline): Uncertain significance (1 of 4 stars; one submission).

Conditions:
Peutz-Jeghers syndrome (PJS). Also called: POLYPOSIS, HAMARTOMATOUS INTESTINAL; POLYPS-AND-SPOTS SYNDROME; Peutz-Jeghers polyposis; Periorificial lentiginosis syndrome. Identifiers: Orphanet 2869, MedGen C0031269, MeSH D010580, MONDO:0008280, OMIM 175200.

Submission:

Labcorp Genetics (formerly Invitae), Labcorp
Classification: Uncertain significance for Peutz-Jeghers syndrome. Last evaluated: 2025-08-28. Review status: criteria provided, single submitter. Criteria: Invitae Variant Classification Sherloc (09022015). Collection method: clinical testing. Allele origin: germline.
Comment: This sequence change replaces serine, which is neutral and polar, with proline, which is neutral and non-polar, at codon 240 of the STK11 protein (p.Ser240Pro). This variant is not present in population databases (gnomAD no frequency). This variant has not been reported in the literature in individuals affected with STK11-related conditions. Invitae Evidence Modeling of protein sequence and biophysical properties (such as structural, functional, and spatial information, amino acid conservation, physicochemical variation, residue mobility, and thermodynamic stability) has been performed for this missense variant. However, the output from this modeling did not meet the statistical confidence thresholds required to predict the impact of this variant on STK11 protein function. This variant disrupts the p.Ser240 amino acid residue in STK11. Other variant(s) that disrupt this residue have been determined to be pathogenic (PMID: 23399955; internal data). This suggests that this residue is clinically significant, and that variants that disrupt this residue are likely to be disease-causing. In summary, the available evidence is currently insufficient to determine the role of this variant in disease. Therefore, it has been classified as a Variant of Uncertain Significance.

Literature cited by the submitters: PubMed 23399955.